The following is an entry in ClinVar:

NM_206933.4(USH2A):c.13406A>G (p.Asn4469Ser)

Gene: USH2A (usherin; minus strand). Cytogenetic location: 1q41.
Variant type: single nucleotide variant.
Coding change: c.13406A>G on transcript NM_206933.4 (MANE Select); coding-DNA position 13406, A replaced by G.
Protein change: p.Asn4469Ser; replaces asparagine 4469 with serine.
Molecular consequence: missense variant.
Genome position (GRCh38, 1-based): chr1:215,674,505, T>C on the plus strand (A>G on the coding strand, the complement: USH2A is on the minus strand). VCF-style: chr1-215674505-T-C. GRCh37 (hg19) VCF-style: chr1-215847847-T-C.
Other names: short protein forms N4469S.
Identifiers: ClinVar variation 1676879 (VCV001676879.8), dbSNP rs796610671, ClinGen allele CA37412478.

ClinVar aggregate classification (germline): Uncertain significance. Review status: criteria provided, multiple submitters, no conflicts (2 of 4 stars). 5 submissions from 4 submitters: Uncertain significance (5). Last evaluated 2026-04-21.

Conditions:
Usher syndrome type 2A. Also called: RETINAL DISEASE IN USHER SYNDROME TYPE IIA, MODIFIER OF; USHER SYNDROME, TYPE IIA. Identifiers: Orphanet 231178, Orphanet 886, MedGen C1848634, MONDO:0010169, OMIM 276901.
Retinitis pigmentosa 39 (RP39). Identifiers: Orphanet 791, MedGen C3151138, MONDO:0013436, OMIM 613809.
USH2A-related disorder. Also called: USH2A-related condition; USH2A-related disorders. Identifiers: MedGen CN239332.

Allele frequency attached by ClinVar (database versions not stated): gnomAD exomes below 0.00001; TOPMed 0.00005; gnomAD 0.00007 and 0.00008.
gnomAD v4.1: 13 of 1,614,036 alleles (0.00081%); highest among the groups gnomAD compares: African/African-American, 0.016%; no homozygotes.

Submissions (5):

PreventionGenetics, part of Exact Sciences
Classification: Uncertain significance for USH2A-related condition. Last evaluated: 2026-04-21. Review status: criteria provided, single submitter. Criteria: ACMG Guidelines, 2015. Collection method: clinical testing. Allele origin: germline.
Comment: The USH2A c.13406A>G variant is predicted to result in the amino acid substitution p.Asn4469Ser. To our knowledge, this variant has not been reported in the literature. This variant is reported in 0.020% of alleles in individuals of African descent in gnomAD. At this time, the clinical significance of this variant is uncertain due to the absence of conclusive functional and genetic evidence.

Genome-Nilou Lab
Classification: Uncertain significance for Retinitis pigmentosa 39. Last evaluated: 2023-11-04. Review status: criteria provided, single submitter. Criteria: ACMG Guidelines, 2015. Collection method: clinical testing. Allele origin: germline. Affected: no.

Genome-Nilou Lab
Classification: Uncertain significance for Usher syndrome type 2A. Last evaluated: 2023-11-04. Review status: criteria provided, single submitter. Criteria: ACMG Guidelines, 2015. Collection method: clinical testing. Allele origin: germline. Affected: no.

Labcorp Genetics (formerly Invitae), Labcorp
Classification: Uncertain significance. Last evaluated: 2023-10-03. Review status: criteria provided, single submitter. Criteria: Invitae Variant Classification Sherloc (09022015). Collection method: clinical testing. Allele origin: germline.
Comment: This sequence change replaces asparagine, which is neutral and polar, with serine, which is neutral and polar, at codon 4469 of the USH2A protein (p.Asn4469Ser). This variant is present in population databases (rs796610671, gnomAD 0.02%). This variant has not been reported in the literature in individuals affected with USH2A-related conditions. ClinVar contains an entry for this variant (Variation ID: 1676879). Advanced modeling of protein sequence and biophysical properties (such as structural, functional, and spatial information, amino acid conservation, physicochemical variation, residue mobility, and thermodynamic stability) performed at Invitae indicates that this missense variant is not expected to disrupt USH2A protein function. In summary, the available evidence is currently insufficient to determine the role of this variant in disease. Therefore, it has been classified as a Variant of Uncertain Significance.

GeneDx
Classification: Uncertain significance. Last evaluated: 2022-04-12. Review status: criteria provided, single submitter. Criteria: GeneDx Variant Classification Process June 2021. Collection method: clinical testing. Allele origin: germline. Affected: yes.
Comment: In silico analysis supports that this missense variant does not alter protein structure/function; Has not been previously published as pathogenic or benign to our knowledge